The following is an entry in ClinVar:

ClinVar aggregate classification (germline): Uncertain significance. Review status: criteria provided, multiple submitters, no conflicts (2 of 4 stars). 2 submissions from 2 submitters: Uncertain significance (2). Last evaluated 2025-09-27.

Conditions:
Hereditary spastic paraplegia 30. Identifiers: Orphanet 101010, MedGen C5235139, MONDO:0012476.
Neuropathy, hereditary sensory, type 2C. Also called: Hereditary sensory and autonomic neuropathy type IIC; KIF1A-Related HSAN2 (HSAN2C). Identifiers: Orphanet 970, MedGen C3280168, MONDO:0013634, OMIM 614213.
Intellectual disability, autosomal dominant 9 (NESCAVS). Also called: NESCAV SYNDROME; KIF1A-Related Neurodevelopmental Disorder. Identifiers: Orphanet 662367, MedGen C5393830, MONDO:0013656, OMIM 614255.

Submissions (2):

Labcorp Genetics (formerly Invitae), Labcorp
Classification: Uncertain significance for Hereditary spastic paraplegia 30; Neuropathy, hereditary sensory, type 2C; Intellectual disability, autosomal dominant 9. Last evaluated: 2025-09-27. Review status: criteria provided, single submitter. Criteria: Invitae Variant Classification Sherloc (09022015). Collection method: clinical testing. Allele origin: germline.
Comment: This sequence change replaces glutamic acid, which is acidic and polar, with lysine, which is basic and polar, at codon 1031 of the KIF1A protein (p.Glu1031Lys). This variant is not present in population databases (gnomAD no frequency). This variant has not been reported in the literature in individuals affected with KIF1A-related conditions. ClinVar contains an entry for this variant (Variation ID: 1716601). Invitae Evidence Modeling of protein sequence and biophysical properties (such as structural, functional, and spatial information, amino acid conservation, physicochemical variation, residue mobility, and thermodynamic stability) indicates that this missense variant is not expected to disrupt KIF1A protein function with a negative predictive value of 95%. In summary, the available evidence is currently insufficient to determine the role of this variant in disease. Therefore, it has been classified as a Variant of Uncertain Significance.

GeneDx
Classification: Uncertain significance. Last evaluated: 2023-02-04. Review status: criteria provided, single submitter. Criteria: GeneDx Variant Classification Process June 2021. Collection method: clinical testing. Allele origin: germline. Affected: yes.
Comment: Not observed at significant frequency in large population cohorts (gnomAD); In silico analysis supports that this missense variant has a deleterious effect on protein structure/function; Has not been previously published as pathogenic or benign to our knowledge

NM_001244008.2(KIF1A):c.3394G>A (p.Glu1132Lys)

Gene: KIF1A (kinesin family member 1A; minus strand). Cytogenetic location: 2q37.3.
Variant type: single nucleotide variant.
Coding change: c.3394G>A on transcript NM_001244008.2 (MANE Select); coding-DNA position 3394, G replaced by A.
Protein change: p.Glu1132Lys; replaces glutamic acid 1132 with lysine.
Molecular consequence: missense variant.
Genome position (GRCh38, 1-based): chr2:240,745,498, C>T on the plus strand (G>A on the coding strand, the complement: KIF1A is on the minus strand). VCF-style: chr2-240745498-C-T. GRCh37 (hg19) VCF-style: chr2-241684915-C-T.
Other names: c.3118G>A, p.Glu1040Lys (NM_001320705.2, NM_001330289.2, NM_001379638.1); c.3193G>A, p.Glu1065Lys (NM_001330290.2, NM_001379634.1, NM_001379635.1 and 1 more transcripts); c.3469G>A, p.Glu1157Lys (NM_001379631.1); c.3343G>A, p.Glu1115Lys (NM_001379632.1); c.3367G>A, p.Glu1123Lys (NM_001379633.1, NM_001379642.1, NM_001379645.1); c.3091G>A, p.Glu1031Lys (NM_001379636.1, NM_001379639.1, NM_001379641.1 and 6 more transcripts); c.3166G>A, p.Glu1056Lys (NM_001379637.1, NM_001379648.1); c.3088G>A, p.Glu1030Lys (NM_001379640.1); and 1 more; short protein forms E1030K, E1031K, E1040K, E1056K, E1065K, E1115K, E1123K, E1132K.
Identifiers: ClinVar variation 1716601 (VCV001716601.7), dbSNP rs2537277438, ClinGen allele CA351317535.
Genomic context (GRCh38, chr2:240,745,498, plus strand): 5'-GGTAGAAGCCAAGTGGGGGGCCTCTGCCTGTGTTCTTCAGGGGCTCTGTGGAGAAGGCCT[C>T]GTCGTGGCGGTGGATGAAGCTGCAAAGCAGAGGAGATGCTTTGGTGTGGGGTGGGGGACT-3'
Protein context (NP_001230937.1, residues 1122-1142): CQFNFIHRHD[Glu1132Lys]AFSTEPLKNT